The following is an entry in ClinVar:

ClinVar aggregate classification (germline): Pathogenic (1 of 4 stars; one submission).

Conditions:
Hermansky-Pudlak syndrome 3 (HPS3). Identifiers: Orphanet 231512, Orphanet 79430, MedGen C3888001, MONDO:0013555, OMIM 614072.

Submission:

Myriad Genetics, Inc.
Classification: Pathogenic for Hermansky-Pudlak syndrome 3. Last evaluated: 2025-12-05. Review status: criteria provided, single submitter. Criteria: Myriad Autosomal Dominant, Autosomal Recessive and X-Linked Classification Criteria (2023). Collection method: clinical testing. Allele origin: unknown.
Comment: NM_032383.3(HPS3):c.2680dupC(H894Pfs*12) is a frameshift variant classified as pathogenic in the context of Hermansky-Pudlak syndrome, HPS3-related. H894Pfs*12 has not been observed in cases with relevant disease. Relevant functional assessments of this variant are not available in the literature. H894Pfs*12 has not been observed in referenced population frequency databases. In summary, NM_032383.3(HPS3):c.2680dupC(H894Pfs*12) is a frameshift variant in a gene where loss of function is a known mechanism of disease and is predicted to disrupt protein function. Please note: this variant was assessed in the context of healthy population screening.

NM_032383.5(HPS3):c.2680dup (p.His894fs)

Genes: CP (ceruloplasmin; minus strand), HPS3 (HPS3 biogenesis of lysosomal organelles complex 2 subunit 1; plus strand). Cytogenetic location: 3q24.
Variant type: Duplication.
Coding change: c.2680dup on transcript NM_032383.5 (MANE Select); coding-DNA position 2680, one base duplicated (C; older notation c.2680dupC).
Protein change: p.His894fs; shifts the reading frame from histidine 894.
Molecular consequence: frameshift variant.
Genome position (GRCh38, 1-based): chr3:149,167,124, C duplicated; the last of 2 consecutive C bases (chr3:149,167,123-149,167,124); duplicating either gives the same sequence. VCF-style (leftmost placement, unchanged base first): chr3-149167122-T-TC. GRCh37 (hg19) VCF-style: chr3-148884909-T-TC.
Other names: c.2185dup, p.His729fs (NM_001308258.2); short protein forms H729fs, H894fs.
Identifiers: ClinVar variation 5003496 (VCV005003496.1).
Genomic context (GRCh38, chr3:149,167,122, plus strand): 5'-TAGCTTCCATTATTCCGTTCTTGGAGCCACTTTCAGAAGACACTATTGCCGGCCTCAGTG[T>TC]CCATGTTCTGTGTCGTACACGCTTGAAAGAGTATGAACAGTGCATAGACATACTGTTAGA-3'